The following is an entry in ClinVar:

NM_001555.5(IGSF1):c.3868C>T (p.Arg1290Ter)

Gene: IGSF1 (immunoglobulin superfamily member 1; minus strand). Cytogenetic location: Xq26.1.
Variant type: single nucleotide variant.
Coding change: c.3868C>T on transcript NM_001555.5 (MANE Select); coding-DNA position 3868, C replaced by T.
Protein change: p.Arg1290Ter; replaces arginine 1290 with a stop codon.
Molecular consequence: nonsense.
Genome position (GRCh38, 1-based): chrX:131,274,090, G>A on the plus strand (C>T on the coding strand, the complement: IGSF1 is on the minus strand). VCF-style: chrX-131274090-G-A. GRCh37 (hg19) VCF-style: chrX-130408064-G-A.
Other names: c.3883C>T, p.Arg1295Ter (NM_001170961.2); c.3841C>T, p.Arg1281Ter (NM_001170962.2); short protein forms R1281*, R1290*, R1295*.
Identifiers: ClinVar variation 3764642 (VCV003764642.1).

ClinVar aggregate classification (germline): Likely pathogenic (1 of 4 stars; one submission).

Conditions:
X-linked central congenital hypothyroidism with late-onset testicular enlargement. Also called: Hypothyroidism, central, and testicular enlargement; HYPOTHYROIDISM, CENTRAL, WITH TESTICULAR ENLARGEMENT. Identifiers: Orphanet 329235, MedGen C3550963, MONDO:0010475, OMIM 300888.

Submission:

Daryl Scott Lab, Baylor College of Medicine
Classification: Likely pathogenic for X-linked central congenital hypothyroidism with late-onset testicular enlargement. Last evaluated: 2024-01-01. Review status: criteria provided, single submitter. Criteria: ACMG Guidelines, 2015. Collection method: clinical testing. Allele origin: maternal. Observed: 1 heterozygote.
Comment: PVS1, PM2